The following is an entry in ClinVar:

ClinVar aggregate classification (germline): Likely pathogenic (1 of 4 stars; one submission).

Conditions:
Fabry disease. Also called: Fabry's disease; ALPHA-GALACTOSIDASE A DEFICIENCY; ANDERSON-FABRY DISEASE; CERAMIDE TRIHEXOSIDASE DEFICIENCY; GLA DEFICIENCY; HEREDITARY DYSTOPIC LIPIDOSIS. Identifiers: Orphanet 324, MedGen C0002986, MONDO:0010526, OMIM 301500, HP:0001071. Disease mechanism: Fabry disease is due to inactivating mutations in the X-linked GLA gene resulting in deficiency of the enzyme Alpha Galactosidase-A., loss of function.

Submission:

3billion
Classification: Likely pathogenic for Fabry disease. Last evaluated: 2024-05-09. Review status: criteria provided, single submitter. Criteria: ACMG Guidelines, 2015. Collection method: research. Allele origin: germline. Inheritance: X-linked inheritance. Affected: yes.
Comment: The variant is not observed in the gnomAD v4.0.0 dataset. In silico tool predictions suggest damaging effect of the variant on gene or gene product [REVEL: 0.61 (>=0.6, sensitivity 0.68 and specificity 0.92); 3Cnet: 0.64 (>=0.6, sensitivity 0.72 and precision 0.9)]. Different missense changes (p.Cys382Trp, p.Cys382Tyr) have been reported pathogenic/likely pathogenic with strong evidence (PMID: 12512750, 12938095). Therefore, the variant was classified as likely pathogenic.

Literature cited by the submitters: PubMed 12512750; PubMed 12938095.

NM_000169.3(GLA):c.1145G>C (p.Cys382Ser)

Genes: GLA (galactosidase alpha; minus strand), RPL36A-HNRNPH2 (RPL36A-HNRNPH2 readthrough; plus strand). Cytogenetic location: Xq22.1.
Variant type: single nucleotide variant.
Coding change: c.1145G>C on transcript NM_000169.3 (MANE Select); coding-DNA position 1145, G replaced by C.
Protein change: p.Cys382Ser; replaces cysteine 382 with serine.
Molecular consequence: missense variant. On other transcripts: non-coding transcript variant (3), intron variant (2).
Genome position (GRCh38, 1-based): chrX:101,397,954, C>G on the plus strand (G>C on the coding strand, the complement: GLA is on the minus strand). VCF-style: chrX-101397954-C-G. GRCh37 (hg19) VCF-style: chrX-100652942-C-G.
Other names: c.1268G>C, p.Cys423Ser (NM_001406747.1); c.300+2497C>G (NM_001199973.2); c.177+6132C>G (NM_001199974.2); short protein forms C382S, C423S.
Identifiers: ClinVar variation 3235259 (VCV003235259.1), dbSNP rs113993943, ClinGen allele CA413920253.